The following is an entry in ClinVar:

NM_005419.4(STAT2):c.2099A>G (p.Asn700Ser)

Gene: STAT2 (signal transducer and activator of transcription 2; minus strand). Cytogenetic location: 12q13.3.
Variant type: single nucleotide variant.
Coding change: c.2099A>G on transcript NM_005419.4 (MANE Select); coding-DNA position 2099, A replaced by G.
Protein change: p.Asn700Ser; replaces asparagine 700 with serine.
Molecular consequence: missense variant.
Genome position (GRCh38, 1-based): chr12:56,346,149, T>C on the plus strand (A>G on the coding strand, the complement: STAT2 is on the minus strand). VCF-style: chr12-56346149-T-C. GRCh37 (hg19) VCF-style: chr12-56739933-T-C.
Other names: c.2099A>G (NM_005419.3); c.2066A>G, p.Asn689Ser (NM_001385110.1); c.2000A>G, p.Asn667Ser (NM_001385111.1); c.2099A>G, p.Asn700Ser (NM_001385113.1); c.2078A>G, p.Asn693Ser (NM_001385114.1); c.2057A>G, p.Asn686Ser (NM_001385115.1); c.2087A>G, p.Asn696Ser (NM_198332.2); short protein forms N667S, N686S, N689S, N693S, N696S, N700S.
Identifiers: ClinVar variation 1176947 (VCV001176947.40), dbSNP rs368002633, ClinGen allele CA6630319.

ClinVar aggregate classification (germline): Uncertain significance. Review status: criteria provided, multiple submitters, no conflicts (2 of 4 stars). 3 submissions from 3 submitters: Uncertain significance (3). Last evaluated 2022-12-13.

Conditions:
Primary immunodeficiency with post-measles-mumps-rubella vaccine viral infection. Also called: Immunodeficiency 44. Identifiers: Orphanet 431166, MedGen C4225260, MONDO:0014715, OMIM 616636.
Inborn genetic diseases. Identifiers: MedGen C0950123, MeSH D030342.

Allele frequency attached by ClinVar (database versions not stated): ExAC 0.00001; gnomAD 0.00001; gnomAD exomes 0.00001; ESP Exome Variant Server 0.00008.
gnomAD v4.1: 14 of 1,614,032 alleles (0.00087%); highest among the groups gnomAD compares: Middle Eastern, 0.016%; no homozygotes.

Submissions (3):

Ambry Genetics
Classification: Uncertain significance for Inborn genetic diseases. Last evaluated: 2022-12-13. Review status: criteria provided, single submitter. Criteria: Ambry Variant Classification Scheme 2023. Collection method: clinical testing. Allele origin: germline.

Labcorp Genetics (formerly Invitae), Labcorp
Classification: Uncertain significance for Primary immunodeficiency with post-measles-mumps-rubella vaccine viral infection. Last evaluated: 2021-09-01. Review status: criteria provided, single submitter. Criteria: Invitae Variant Classification Sherloc (09022015). Collection method: clinical testing. Allele origin: germline.
Comment: This sequence change replaces asparagine with serine at codon 700 of the STAT2 protein (p.Asn700Ser). The asparagine residue is moderately conserved and there is a small physicochemical difference between asparagine and serine. This variant is present in population databases (rs368002633, ExAC 0.001%). This variant has not been reported in the literature in individuals affected with STAT2-related conditions. Advanced modeling of protein sequence and biophysical properties (such as structural, functional, and spatial information, amino acid conservation, physicochemical variation, residue mobility, and thermodynamic stability) performed at Invitae indicates that this missense variant is expected to disrupt STAT2 protein function. Algorithms developed to predict the effect of sequence changes on RNA splicing suggest that this variant may create or strengthen a splice site. In summary, the available evidence is currently insufficient to determine the role of this variant in disease. Therefore, it has been classified as a Variant of Uncertain Significance.

CeGaT Center for Human Genetics Tuebingen
Classification: Uncertain significance. Last evaluated: 2021-03-01. Review status: criteria provided, single submitter. Criteria: CeGaT Center For Human Genetics Tuebingen Variant Classification Criteria Version 2. Collection method: clinical testing. Allele origin: germline. Affected: yes. Observed: 1 variant allele.